The following is an entry in ClinVar:

ClinVar aggregate classification (germline): Uncertain significance (1 of 4 stars; one submission).

gnomAD v4.1: 1 of 1,613,636 alleles (0.000062%); highest among the groups gnomAD compares: Non-Finnish European, 0.000085%; no homozygotes.

Submission:

GeneDx
Classification: Uncertain significance. Last evaluated: 2024-05-11. Review status: criteria provided, single submitter. Criteria: GeneDx Variant Classification Process June 2021. Collection method: clinical testing. Allele origin: germline. Affected: yes.
Comment: Not observed at significant frequency in large population cohorts (gnomAD); Nonsense variant predicted to result in protein truncation or nonsense mediated decay in a gene or region of a gene for which loss of function is not a well-established mechanism of disease; Has not been previously published as pathogenic or benign to our knowledge

NM_002661.5(PLCG2):c.2340C>G (p.Tyr780Ter)

Gene: PLCG2 (phospholipase C gamma 2; plus strand). Cytogenetic location: 16q23.3.
Variant type: single nucleotide variant.
Coding change: c.2340C>G on transcript NM_002661.5 (MANE Select); coding-DNA position 2340, C replaced by G.
Protein change: p.Tyr780Ter; replaces tyrosine 780 with a stop codon.
Molecular consequence: nonsense.
Genome position (GRCh38, 1-based): chr16:81,923,517, C>G. VCF-style: chr16-81923517-C-G. GRCh37 (hg19) VCF-style: chr16-81957122-C-G.
Other names: c.2340C>G, p.Tyr780Ter (NM_001425749.1, NM_001425750.1, NM_001425751.1); short protein forms Y780*.
Identifiers: ClinVar variation 3375498 (VCV003375498.1).